The following is an entry in ClinVar:

ClinVar aggregate classification (germline): Uncertain significance (1 of 4 stars; one submission).

Conditions:
Autosomal dominant childhood-onset proximal spinal muscular atrophy with contractures (SMALED2A). Also called: SPINAL MUSCULAR ATROPHY, LOWER EXTREMITY-PREDOMINANT, 2A, CHILDHOOD ONSET, AUTOSOMAL DOMINANT; Spinal muscular atrophy, lower extremity-predominant, 2A, autosomal dominant. Identifiers: Orphanet 363447, Orphanet 363454, MedGen C4747715, MONDO:0014121, OMIM 615290.

gnomAD v4.1: 1 of 1,530,164 alleles (0.000065%); highest among the groups gnomAD compares: Non-Finnish European, 0.000088%; no homozygotes.

Submission:

Labcorp Genetics (formerly Invitae), Labcorp
Classification: Uncertain significance for Autosomal dominant childhood-onset proximal spinal muscular atrophy with contractures. Last evaluated: 2022-07-12. Review status: criteria provided, single submitter. Criteria: Invitae Variant Classification Sherloc (09022015). Collection method: clinical testing. Allele origin: germline.
Comment: In summary, the available evidence is currently insufficient to determine the role of this variant in disease. Therefore, it has been classified as a Variant of Uncertain Significance. Algorithms developed to predict the effect of sequence changes on RNA splicing suggest that this variant may create or strengthen a splice site. This variant has not been reported in the literature in individuals affected with BICD2-related conditions. This variant is not present in population databases (gnomAD no frequency). This sequence change creates a premature translational stop signal (p.Glu80*) in the BICD2 gene. It is expected to result in an absent or disrupted protein product. However, the current clinical and genetic evidence is not sufficient to establish whether loss-of-function variants in BICD2 cause disease.

NM_001003800.2(BICD2):c.238G>T (p.Glu80Ter)

Gene: BICD2 (BICD cargo adaptor 2; minus strand). Cytogenetic location: 9q22.31.
Variant type: single nucleotide variant.
Coding change: c.238G>T on transcript NM_001003800.2 (MANE Select); coding-DNA position 238, G replaced by T.
Protein change: p.Glu80Ter; replaces glutamic acid 80 with a stop codon.
Molecular consequence: nonsense.
Genome position (GRCh38, 1-based): chr9:92,764,507, C>A on the plus strand (G>T on the coding strand, the complement: BICD2 is on the minus strand). VCF-style: chr9-92764507-C-A. GRCh37 (hg19) VCF-style: chr9-95526789-C-A.
Other names: c.238G>T, p.Glu80Ter (NM_015250.4); short protein forms E80*.
Identifiers: ClinVar variation 2094069 (VCV002094069.4), dbSNP rs2537621985, ClinGen allele CA374031818.